The following is an entry in ClinVar:

ClinVar aggregate classification (germline): Uncertain significance (1 of 4 stars; one submission).

Allele frequency attached by ClinVar (database versions not stated): TOPMed below 0.00001.

Submission:

Labcorp Genetics (formerly Invitae), Labcorp
Classification: Uncertain significance. Last evaluated: 2022-10-05. Review status: criteria provided, single submitter. Criteria: Invitae Variant Classification Sherloc (09022015). Collection method: clinical testing. Allele origin: germline.
Comment: This sequence change replaces glycine, which is neutral and non-polar, with arginine, which is basic and polar, at codon 88 of the GPX4 protein (p.Gly88Arg). This variant is present in population databases (no rsID available, gnomAD 0.007%). This variant has not been reported in the literature in individuals affected with GPX4-related conditions. ClinVar contains an entry for this variant (Variation ID: 1421686). Algorithms developed to predict the effect of missense changes on protein structure and function are either unavailable or do not agree on the potential impact of this missense change (SIFT: "Deleterious"; PolyPhen-2: "Not Available"; Align-GVGD: "Class C0"). In summary, the available evidence is currently insufficient to determine the role of this variant in disease. Therefore, it has been classified as a Variant of Uncertain Significance.

NM_002085.5(GPX4):c.151G>A (p.Gly51Arg)

Gene: GPX4 (glutathione peroxidase 4; plus strand). Cytogenetic location: 19p13.3.
Variant type: single nucleotide variant.
Coding change: c.151G>A on transcript NM_002085.5 (MANE Select); coding-DNA position 151, G replaced by A.
Protein change: p.Gly51Arg; replaces glycine 51 with arginine.
Molecular consequence: missense variant.
Genome position (GRCh38, 1-based): chr19:1,105,252, G>A. VCF-style: chr19-1105252-G-A. GRCh37 (hg19) VCF-style: chr19-1105251-G-A.
Other names: c.151G>A, p.Gly51Arg (NM_001039847.3); c.262G>A, p.Gly88Arg (NM_001039848.4); c.70G>A, p.Gly24Arg (NM_001367832.1); short protein forms G88R, G24R, G51R.
Identifiers: ClinVar variation 1421686 (VCV001421686.6), dbSNP rs1274113661, ClinGen allele CA402936227.